The following is an entry in ClinVar:

ClinVar aggregate classification (germline): Pathogenic (1 of 4 stars; one submission).

Conditions:
Fanconi anemia (FA). Also called: Fanconi's anemia. Identifiers: Orphanet 84, MedGen C0015625, MeSH D005199, MONDO:0019391.

Submission:

Labcorp Genetics (formerly Invitae), Labcorp
Classification: Pathogenic for Fanconi anemia. Last evaluated: 2020-11-10. Review status: criteria provided, single submitter. Criteria: Invitae Variant Classification Sherloc (09022015). Collection method: clinical testing. Allele origin: germline.
Comment: This variant is not present in population databases (ExAC no frequency). This variant has not been reported in the literature in individuals with FANCA-related conditions. For these reasons, this variant has been classified as Pathogenic. This sequence change creates a premature translational stop signal (p.Arg1055Leufs*2) in the FANCA gene. It is expected to result in an absent or disrupted protein product. Loss-of-function variants in FANCA are known to be pathogenic (PMID: 19367192).

Literature cited by the submitters: PubMed 19367192.

NM_000135.4(FANCA):c.3162_3171del (p.Arg1055fs)

Gene: FANCA (FA complementation group A; minus strand). Cytogenetic location: 16q24.3.
Variant type: Deletion.
Coding change: c.3162_3171del on transcript NM_000135.4 (MANE Select); coding-DNA positions 3162 to 3171, 10 bases deleted (ACGGCTCCAG; older notation c.3162_3171delACGGCTCCAG).
Protein change: p.Arg1055fs; shifts the reading frame from arginine 1055.
Molecular consequence: frameshift variant.
Genome position (GRCh38, 1-based): chr16:89,749,798-89,749,807, CTGGAGCCGT deleted on the plus strand (ACGGCTCCAG on the coding strand, the reverse complement: FANCA is on the minus strand); deleting any 10 consecutive bases within chr16:89,749,798-89,749,810 gives the same sequence; the c. name uses the placement nearest the transcript's 3' end. VCF-style (leftmost placement, unchanged base first): chr16-89749797-CCTGGAGCCGT-C. GRCh37 (hg19) VCF-style: chr16-89816205-CCTGGAGCCGT-C.
Other names: c.3162_3171del, p.Arg1055fs (NM_001286167.3); short protein forms R1055fs.
Identifiers: ClinVar variation 1414594 (VCV001414594.6), dbSNP rs2143138748, ClinGen allele CA2573152923.